The following is an entry in ClinVar:

NM_032383.5(HPS3):c.1812_1813del (p.Gly605fs)

Gene: HPS3 (HPS3 biogenesis of lysosomal organelles complex 2 subunit 1; plus strand). Cytogenetic location: 3q24.
Variant type: Microsatellite.
Coding change: c.1812_1813del on transcript NM_032383.5 (MANE Select); coding-DNA positions 1812 to 1813, 2 bases deleted (AG; older notation c.1812_1813delAG).
Protein change: p.Gly605fs; shifts the reading frame from glycine 605.
Molecular consequence: frameshift variant.
Genome position (GRCh38, 1-based): chr3:149,158,786-149,158,787, AG deleted; deleting any 2 consecutive bases within chr3:149,158,781-149,158,787 gives the same sequence; the c. name uses the placement nearest the transcript's 3' end. VCF-style (leftmost placement, unchanged base first): chr3-149158780-CGA-C. GRCh37 (hg19) VCF-style: chr3-148876567-CGA-C.
Other names: c.1317_1318del, p.Gly440fs (NM_001308258.2); short protein forms G440fs, G605fs.
Identifiers: ClinVar variation 4816324 (VCV004816324.1).

ClinVar aggregate classification (germline): Likely pathogenic (1 of 4 stars; one submission).

Conditions:
Hermansky-Pudlak syndrome (HPS). Also called: ALBINISM WITH HEMORRHAGIC DIATHESIS AND PIGMENTED RETICULOENDOTHELIAL CELLS. Identifiers: Orphanet 79430, MedGen C0079504, MONDO:0019312.

Submission:

Natera, Inc.
Classification: Likely pathogenic for Hermansky-Pudlak syndrome. Last evaluated: 2024-04-23. Review status: criteria provided, single submitter. Criteria: Natera Variant Classification Schema (03/2026). Collection method: clinical testing. Allele origin: germline.
Comment: The c.1812_1813delAG variant in HPS3 is a frameshift variant predicted to shift the reading frame beginning at codon 605 and leads to a stop codon 6 codons downstream. This variant is expected to result in nonsense mediated decay, truncation, or a dysfunctional protein product. This variant is rare in the general population with a frequency below the threshold expected for the associated phenotype(s). Given the available evidence, this variant is classified as Likely Pathogenic.